The following is an entry in ClinVar:

NM_005732.4(RAD50):c.494C>G (p.Pro165Arg)

Gene: RAD50 (RAD50 double strand break repair protein; plus strand). Cytogenetic location: 5q31.1.
Variant type: single nucleotide variant.
Coding change: c.494C>G on transcript NM_005732.4 (MANE Select); coding-DNA position 494, C replaced by G.
Protein change: p.Pro165Arg; replaces proline 165 with arginine.
Molecular consequence: missense variant.
Genome position (GRCh38, 1-based): chr5:132,579,445, C>G. VCF-style: chr5-132579445-C-G. GRCh37 (hg19) VCF-style: chr5-131915137-C-G.
Other names: short protein forms P165R.
Identifiers: ClinVar variation 649019 (VCV000649019.10), dbSNP rs104895044, ClinGen allele CA360934625.
Genomic context (GRCh38, chr5:132,579,445, plus strand): 5'-GGGTTTCCAAGGCTGTGCTAAATAATGTCATTTTCTGTCATCAAGAAGATTCTAATTGGC[C>G]TTTAAGTGAAGGAAAGGCTTTGAAGCAAAAGTTTGATGAGATTTTTTCAGCAACAAGGTT-3'
Protein context (NP_005723.2, residues 155-175): IFCHQEDSNW[Pro165Arg]LSEGKALKQK

ClinVar aggregate classification (germline): Uncertain significance. Review status: criteria provided, multiple submitters, no conflicts (2 of 4 stars). 2 submissions from 2 submitters: Uncertain significance (2). Last evaluated 2023-05-24.

Conditions:
Hereditary cancer-predisposing syndrome. Also called: Neoplastic Syndromes, Hereditary; Tumor predisposition; Hereditary Cancer Syndrome; Hereditary neoplastic syndrome. Identifiers: Orphanet 140162, MedGen C0027672, MeSH D009386, MONDO:0015356.
Nijmegen breakage syndrome-like disorder (NBSLD). Also called: MICROCEPHALY AND SPONTANEOUS CHROMOSOME INSTABILITY WITHOUT IMMUNODEFICIENCY; NBS-LIKE DISORDER; RAD50 DEFICIENCY. Identifiers: Orphanet 240760, MedGen C2751318, MONDO:0013118, OMIM 613078.

Submissions (2):

Baylor Genetics
Classification: Uncertain significance for Nijmegen breakage syndrome-like disorder. Last evaluated: 2023-05-24. Review status: criteria provided, single submitter. Criteria: ACMG Guidelines, 2015. Collection method: clinical testing. Allele origin: unknown.

Labcorp Genetics (formerly Invitae), Labcorp
Classification: Uncertain significance for Hereditary cancer-predisposing syndrome. Last evaluated: 2021-02-15. Review status: criteria provided, single submitter. Criteria: Invitae Variant Classification Sherloc (09022015). Collection method: clinical testing. Allele origin: germline.
Comment: This variant is not present in population databases (ExAC no frequency). This sequence change replaces proline with arginine at codon 165 of the RAD50 protein (p.Pro165Arg). The proline residue is highly conserved and there is a moderate physicochemical difference between proline and arginine. In summary, the available evidence is currently insufficient to determine the role of this variant in disease. Therefore, it has been classified as a Variant of Uncertain Significance. Algorithms developed to predict the effect of missense changes on protein structure and function (SIFT, PolyPhen-2, Align-GVGD) all suggest that this variant is likely to be disruptive, but these predictions have not been confirmed by published functional studies and their clinical significance is uncertain. This variant has not been reported in the literature in individuals with RAD50-related conditions.